The following is an entry in ClinVar:

NM_020964.3(EPG5):c.18G>A (p.Lys6=)

Gene: EPG5 (ectopic P-granules 5 autophagy tethering factor; minus strand). Cytogenetic location: 18q21.1.
Variant type: single nucleotide variant.
Coding change: c.18G>A on transcript NM_020964.3 (MANE Select); coding-DNA position 18, G replaced by A.
Protein change: p.Lys6=; no amino-acid change (lysine 6 retained).
Molecular consequence: synonymous variant.
Genome position (GRCh38, 1-based): chr18:45,967,222, C>T on the plus strand (G>A on the coding strand, the complement: EPG5 is on the minus strand). VCF-style: chr18-45967222-C-T. GRCh37 (hg19) VCF-style: chr18-43547188-C-T.
Other names: c.18G>A, p.Lys6= (LRG_1234t1).
Identifiers: ClinVar variation 466239 (VCV000466239.24), dbSNP rs181345590, ClinGen allele CA8950045.

ClinVar aggregate classification (germline): Benign/Likely benign. Review status: criteria provided, multiple submitters, no conflicts (2 of 4 stars). 5 submissions from 5 submitters: Benign (2); Likely benign (2). 1 of the submissions does not count toward it. Last evaluated 2026-02-01.

Conditions:
EPG5-related disorder. Also called: EPG5-related condition. Identifiers: MedGen CN381528.
Vici syndrome (VICIS). Identifiers: Orphanet 1493, MedGen C1855772, MONDO:0009452, OMIM 242840.

Allele frequency attached by ClinVar (database versions not stated): gnomAD exomes 0.00070; ExAC 0.00141; ESP Exome Variant Server 0.00264; gnomAD 0.00336 and 0.00354; TOPMed 0.00395; 1000 Genomes Project 0.00399; 1000 Genomes Project 30x 0.00437.
gnomAD v4.1: 941 of 1,604,582 alleles (0.059%); highest among the groups gnomAD compares: African/African-American, 1.1%; 5 homozygotes.

Submissions (5):

Labcorp Genetics (formerly Invitae), Labcorp
Classification: Benign for Vici syndrome. Last evaluated: 2026-02-01. Review status: criteria provided, single submitter. Criteria: Invitae Variant Classification Sherloc (09022015). Collection method: clinical testing. Allele origin: germline.

CeGaT Center for Human Genetics Tuebingen
Classification: Likely benign. Last evaluated: 2025-07-01. Review status: criteria provided, single submitter. Criteria: CeGaT Center For Human Genetics Tuebingen Variant Classification Criteria Version 2. Collection method: clinical testing. Allele origin: germline. Affected: yes. Observed: 1 variant allele.
Comment: EPG5: BP4, BP7, BS1

Blueprint Genetics
Classification: Likely benign. Last evaluated: 2024-10-09. Review status: criteria provided, single submitter. Criteria: ACMG Guidelines, 2015. Collection method: clinical testing. Allele origin: germline.

Breakthrough Genomics
Classification: Benign. Review status: criteria provided, single submitter. Criteria: ACMG Guidelines, 2015. Collection method: not provided. Allele origin: germline. Inheritance: Autosomal recessive inheritance. Affected: yes.

PreventionGenetics, part of Exact Sciences
Classification: Benign for EPG5-related condition. Last evaluated: 2023-02-07. Review status: no assertion criteria provided. Collection method: clinical testing. Allele origin: germline. Not counted in ClinVar's aggregate classification.
Comment: This variant is classified as benign based on ACMG/AMP sequence variant interpretation guidelines (Richards et al. 2015 PMID: 25741868, with internal and published modifications).